The following is an entry in ClinVar:

ClinVar aggregate classification (germline): Uncertain significance. Review status: criteria provided, multiple submitters, no conflicts (2 of 4 stars). 5 submissions from 4 submitters: Uncertain significance (5). Last evaluated 2025-02-10.

Conditions:
Retinitis pigmentosa 35 (RP35). Identifiers: Orphanet 791, MedGen C1853214, MONDO:0012463, OMIM 610282.
Cone-rod dystrophy 10 (CORD10). Identifiers: Orphanet 1872, MedGen C1846529, MONDO:0012464, OMIM 610283.

Allele frequency attached by ClinVar (database versions not stated): TOPMed 0.00004; gnomAD 0.00005 and 0.00006.
gnomAD v4.1: 27 of 1,603,622 alleles (0.0017%); highest among the groups gnomAD compares: African/African-American, 0.0093%; no homozygotes.

Submissions (5):

Labcorp Genetics (formerly Invitae), Labcorp
Classification: Uncertain significance. Last evaluated: 2025-02-10. Review status: criteria provided, single submitter. Criteria: Invitae Variant Classification Sherloc (09022015). Collection method: clinical testing. Allele origin: germline.
Comment: This sequence change replaces threonine, which is neutral and polar, with methionine, which is neutral and non-polar, at codon 29 of the SEMA4A protein (p.Thr29Met). The frequency data for this variant in the population databases is considered unreliable, as metrics indicate poor data quality at this position in the gnomAD database. This variant has not been reported in the literature in individuals affected with SEMA4A-related conditions. ClinVar contains an entry for this variant (Variation ID: 1000955). An algorithm developed to predict the effect of missense changes on protein structure and function outputs the following: PolyPhen-2: "Benign". The methionine amino acid residue is found in multiple mammalian species, which suggests that this missense change does not adversely affect protein function. In summary, the available evidence is currently insufficient to determine the role of this variant in disease. Therefore, it has been classified as a Variant of Uncertain Significance.

Blueprint Genetics
Classification: Uncertain significance. Last evaluated: 2023-08-17. Review status: criteria provided, single submitter. Criteria: ACMG Guidelines, 2015. Collection method: clinical testing. Allele origin: germline.

Genome-Nilou Lab
Classification: Uncertain significance for Cone-rod dystrophy 10. Last evaluated: 2023-04-11. Review status: criteria provided, single submitter. Criteria: ACMG Guidelines, 2015. Collection method: clinical testing. Allele origin: germline. Affected: no.

Genome-Nilou Lab
Classification: Uncertain significance for Retinitis pigmentosa 35. Last evaluated: 2023-04-11. Review status: criteria provided, single submitter. Criteria: ACMG Guidelines, 2015. Collection method: clinical testing. Allele origin: germline. Affected: no.

Ambry Genetics
Classification: Uncertain significance. Last evaluated: 2021-08-09. Review status: criteria provided, single submitter. Criteria: Ambry Variant Classification Scheme 2023. Collection method: clinical testing. Allele origin: germline.

NM_022367.4(SEMA4A):c.86C>T (p.Thr29Met)

Gene: SEMA4A (semaphorin 4A; plus strand). Cytogenetic location: 1q22.
Variant type: single nucleotide variant.
Coding change: c.86C>T on transcript NM_022367.4 (MANE Select); coding-DNA position 86, C replaced by T.
Protein change: p.Thr29Met; replaces threonine 29 with methionine.
Molecular consequence: missense variant. On other transcripts: 5 prime UTR variant (1), intron variant (3).
Genome position (GRCh38, 1-based): chr1:156,154,664, C>T. VCF-style: chr1-156154664-C-T. GRCh37 (hg19) VCF-style: chr1-156124455-C-T.
Other names: c.86C>T (NM_022367.3); c.86C>T, p.Thr29Met (NM_001193300.2, NM_001193301.2, NM_001370567.1); c.-439C>T (NM_001370571.1); c.-385-1750C>T (NM_001370569.1); c.-158-1750C>T (NM_001370568.1); c.-159+900C>T (NM_001193302.2); short protein forms T29M.
Identifiers: ClinVar variation 1000955 (VCV001000955.11), dbSNP rs1045906206, ClinGen allele CA31028338.